The following is an entry in ClinVar:

ClinVar aggregate classification (germline): Uncertain significance (1 of 4 stars; one submission).

Conditions:
Hereditary cancer-predisposing syndrome. Also called: Tumor predisposition; Neoplastic Syndromes, Hereditary; Hereditary Cancer Syndrome; Hereditary neoplastic syndrome. Identifiers: Orphanet 140162, MedGen C0027672, MeSH D009386, MONDO:0015356.

Submission:

Ambry Genetics
Classification: Uncertain significance for Hereditary cancer-predisposing syndrome. Last evaluated: 2024-09-24. Review status: criteria provided, single submitter. Criteria: Ambry Variant Classification Scheme 2023. Collection method: clinical testing. Allele origin: germline.
Comment: The p.L348P variant (also known as c.1043T>C), located in coding exon 10 of the FANCC gene, results from a T to C substitution at nucleotide position 1043. The leucine at codon 348 is replaced by proline, an amino acid with similar properties. This amino acid position is highly conserved in available vertebrate species. In addition, this alteration is predicted to be deleterious by in silico analysis. Based on the available evidence, the clinical significance of this variant remains unclear.

NM_000136.3(FANCC):c.1043T>C (p.Leu348Pro)

Genes: FANCC (FA complementation group C; minus strand), AOPEP (aminopeptidase O (putative); plus strand). Cytogenetic location: 9q22.32.
Variant type: single nucleotide variant.
Coding change: c.1043T>C on transcript NM_000136.3 (MANE Select); coding-DNA position 1043, T replaced by C.
Protein change: p.Leu348Pro; replaces leucine 348 with proline.
Molecular consequence: missense variant.
Genome position (GRCh38, 1-based): chr9:95,117,344, A>G on the plus strand (T>C on the coding strand, the complement: FANCC is on the minus strand). VCF-style: chr9-95117344-A-G. GRCh37 (hg19) VCF-style: chr9-97879626-A-G.
Other names: c.1043T>C, p.Leu348Pro (NM_001243743.2, NM_001243744.2); short protein forms L348P.
Identifiers: ClinVar variation 3512754 (VCV003512754.1).